The following is an entry in ClinVar:

ClinVar aggregate classification (germline): Pathogenic (1 of 4 stars; one submission).

Conditions:
Primary ciliary dyskinesia 9. Also called: CILIARY DYSKINESIA, PRIMARY, 9, WITH OR WITHOUT SITUS INVERSUS. Identifiers: Orphanet 244, MedGen C2676235, MONDO:0012906, OMIM 612444.

Submission:

Myriad Genetics, Inc.
Classification: Pathogenic for Primary ciliary dyskinesia 9. Last evaluated: 2024-05-14. Review status: criteria provided, single submitter. Criteria: Myriad Autosomal Dominant, Autosomal Recessive and X-Linked Classification Criteria (2023). Collection method: clinical testing. Allele origin: unknown.
Comment: NM_023036.4(DNAI2):c.278del1ins15(T93Rfs*4) is expected to be pathogenic in the context of primary ciliary dyskinesia, DNAI2-related. This variant is predicted to lead to an abnormal or absent protein product due to the creation of a premature termination codon in DNAI2, a gene where loss-of-function variants are known to be pathogenic. Please note: this variant was assessed in the context of healthy population screening.

NM_023036.6(DNAI2):c.278delinsGATGTGTATAAGAGA (p.Thr93delinsArgCysValTer)

Gene: DNAI2 (dynein axonemal intermediate chain 2; plus strand). Cytogenetic location: 17q25.1.
Variant type: Indel.
Coding change: c.278delinsGATGTGTATAAGAGA on transcript NM_023036.6 (MANE Select); coding-DNA position 278, C replaced by GATGTGTATAAGAGA.
Protein change: p.Thr93delinsArgCysValTer.
Molecular consequence: nonsense. On other transcripts: non-coding transcript variant (1).
Genome position (GRCh38, 1-based): chr17:74,285,134, C replaced by GATGTGTATAAGAGA. VCF-style: chr17-74285134-C-GATGTGTATAAGAGA. GRCh37 (hg19) VCF-style: chr17-72281273-C-GATGTGTATAAGAGA.
Other names: c.278delinsGATGTGTATAAGAGA, p.Thr93delinsArgCysValTer (NM_001172810.3, NM_001353167.2).
Identifiers: ClinVar variation 5010337 (VCV005010337.1).